The following is an entry in ClinVar:

ClinVar aggregate classification (germline): Uncertain significance. Review status: criteria provided, multiple submitters, no conflicts (2 of 4 stars). 2 submissions from 2 submitters: Uncertain significance (2). Last evaluated 2025-05-24.

Conditions:
Colorectal cancer, hereditary nonpolyposis, type 7. Identifiers: Orphanet 144, MedGen C1858380, MONDO:0013725, OMIM 614385.

Allele frequency attached by ClinVar (database versions not stated): ExAC 0.00002; gnomAD exomes 0.00002; gnomAD 0.00003 and 0.00004; TOPMed 0.00003.
gnomAD v4.1: 20 of 1,613,918 alleles (0.0012%); highest among the groups gnomAD compares: East Asian, 0.0045%; no homozygotes.

Submissions (2):

Ambry Genetics
Classification: Uncertain significance. Last evaluated: 2025-05-24. Review status: criteria provided, single submitter. Criteria: Ambry Variant Classification Scheme 2023. Collection method: clinical testing. Allele origin: germline.
Comment: The p.R1230C variant (also known as c.3688C>T), located in coding exon 6 of the MLH3 gene, results from a C to T substitution at nucleotide position 3688. The arginine at codon 1230 is replaced by cysteine, an amino acid with highly dissimilar properties. This amino acid position is highly conserved in available vertebrate species. In addition, this alteration is predicted to be deleterious by in silico analysis. Since supporting evidence is limited at this time, the clinical significance of this alteration remains unclear.

Labcorp Genetics (formerly Invitae), Labcorp
Classification: Uncertain significance for Colorectal cancer, hereditary nonpolyposis, type 7. Last evaluated: 2024-04-15. Review status: criteria provided, single submitter. Criteria: Invitae Variant Classification Sherloc (09022015). Collection method: clinical testing. Allele origin: germline.
Comment: This sequence change replaces arginine, which is basic and polar, with cysteine, which is neutral and slightly polar, at codon 1230 of the MLH3 protein (p.Arg1230Cys). This variant is present in population databases (rs746431837, gnomAD 0.01%). This variant has not been reported in the literature in individuals affected with MLH3-related conditions. ClinVar contains an entry for this variant (Variation ID: 661414). An algorithm developed to predict the effect of missense changes on protein structure and function (PolyPhen-2) suggests that this variant is likely to be disruptive. In summary, the available evidence is currently insufficient to determine the role of this variant in disease. Therefore, it has been classified as a Variant of Uncertain Significance.

NM_001040108.2(MLH3):c.3688C>T (p.Arg1230Cys)

Gene: MLH3 (mutL homolog 3; minus strand). Cytogenetic location: 14q24.3.
Variant type: single nucleotide variant.
Coding change: c.3688C>T on transcript NM_001040108.2 (MANE Select); coding-DNA position 3688, C replaced by T.
Protein change: p.Arg1230Cys; replaces arginine 1230 with cysteine.
Molecular consequence: missense variant. On other transcripts: intron variant (1).
Genome position (GRCh38, 1-based): chr14:75,033,446, G>A on the plus strand (C>T on the coding strand, the complement: MLH3 is on the minus strand). VCF-style: chr14-75033446-G-A. GRCh37 (hg19) VCF-style: chr14-75500149-G-A.
Other names: c.3644-1267C>T (NM_014381.3); short protein forms R1230C.
Identifiers: ClinVar variation 661414 (VCV000661414.15), dbSNP rs746431837, ClinGen allele CA7275360.
Genomic context (GRCh38, chr14:75,033,446, plus strand): 5'-TCAAATTTTTTCTGGCTGCAAACAGATCCTTACCAATGATAAGCTGCTCCAGACGTATAC[G>A]CTCATGGGCAGCGTGCTGATCCACCAGCACGAGCAGGTTCCCACCTAGATGAGCAAGGAT-3'
Protein context (NP_001035197.1, residues 1220-1240): VLVDQHAAHE[Arg1230Cys]IRLEQLIIDS